The following is an entry in ClinVar:

NM_004415.4(DSP):c.4136A>G (p.Gln1379Arg)

Gene: DSP (desmoplakin; plus strand). Cytogenetic location: 6p24.3.
Variant type: single nucleotide variant.
Coding change: c.4136A>G on transcript NM_004415.4 (MANE Select); coding-DNA position 4136, A replaced by G.
Protein change: p.Gln1379Arg; replaces glutamine 1379 with arginine.
Molecular consequence: missense variant. On other transcripts: intron variant (2).
Genome position (GRCh38, 1-based): chr6:7,580,326, A>G. VCF-style: chr6-7580326-A-G. GRCh37 (hg19) VCF-style: chr6-7580559-A-G.
Other names: c.4050+86A>G (NM_001319034.2); c.3582+554A>G (NM_001008844.3); short protein forms Q1379R.
Identifiers: ClinVar variation 4015109 (VCV004015109.1).

ClinVar aggregate classification (germline): Uncertain significance (1 of 4 stars; one submission).

Conditions:
Cardiovascular phenotype. Identifiers: MedGen CN230736.

Submission:

Ambry Genetics
Classification: Uncertain significance for Cardiovascular phenotype. Last evaluated: 2025-05-24. Review status: criteria provided, single submitter. Criteria: Ambry Variant Classification Scheme 2023. Collection method: clinical testing. Allele origin: germline.
Comment: The p.Q1379R variant (also known as c.4136A>G), located in coding exon 23 of the DSP gene, results from an A to G substitution at nucleotide position 4136. The glutamine at codon 1379 is replaced by arginine, an amino acid with highly similar properties. This amino acid position is conserved. In addition, the in silico prediction for this alteration is inconclusive. Based on the available evidence, the clinical significance of this variant remains unclear.